The following is an entry in ClinVar:

ClinVar aggregate classification (germline): Uncertain significance (1 of 4 stars; one submission).

gnomAD v4.1: 15 of 1,614,032 alleles (0.00093%); highest among the groups gnomAD compares: Admixed American, 0.025%; no homozygotes.

Submission:

Labcorp Genetics (formerly Invitae), Labcorp
Classification: Uncertain significance. Last evaluated: 2025-09-03. Review status: criteria provided, single submitter. Criteria: Invitae Variant Classification Sherloc (09022015). Collection method: clinical testing. Allele origin: germline.
Comment: This sequence change replaces leucine, which is neutral and non-polar, with valine, which is neutral and non-polar, at codon 1637 of the ACACA protein (p.Leu1637Val). This variant is present in population databases (rs765118811, gnomAD 0.04%). This variant has not been reported in the literature in individuals affected with ACACA-related conditions. An algorithm developed to predict the effect of missense changes on protein structure and function (PolyPhen-2) suggests that this variant is likely to be disruptive. In summary, the available evidence is currently insufficient to determine the role of this variant in disease. Therefore, it has been classified as a Variant of Uncertain Significance.

NM_198834.3(ACACA):c.5020C>G (p.Leu1674Val)

Gene: ACACA (acetyl-CoA carboxylase alpha; minus strand). Cytogenetic location: 17q12.
Variant type: single nucleotide variant.
Coding change: c.5020C>G on transcript NM_198834.3 (MANE Select); coding-DNA position 5020, C replaced by G.
Protein change: p.Leu1674Val; replaces leucine 1674 with valine.
Molecular consequence: missense variant.
Genome position (GRCh38, 1-based): chr17:37,179,319, G>C on the plus strand (C>G on the coding strand, the complement: ACACA is on the minus strand). VCF-style: chr17-37179319-G-C. GRCh37 (hg19) VCF-style: chr17-35536260-G-C.
Other names: c.4909C>G, p.Leu1637Val (NM_198836.3, NM_198839.3); c.4735C>G, p.Leu1579Val (NM_198837.2); c.4675C>G, p.Leu1559Val (NM_198838.2); short protein forms L1637V, L1674V, L1559V, L1579V.
Identifiers: ClinVar variation 4690877 (VCV004690877.1).